The following is an entry in ClinVar:

NM_001018115.3(FANCD2):c.2077G>T (p.Asp693Tyr)

Genes: FANCD2 (FA complementation group D2; plus strand), LOC107303338 (3p25 FANCD2 Alu-mediated recombination region; plus strand). Cytogenetic location: 3p25.3.
Variant type: single nucleotide variant.
Coding change: c.2077G>T on transcript NM_001018115.3 (MANE Select); coding-DNA position 2077, G replaced by T.
Protein change: p.Asp693Tyr; replaces aspartic acid 693 with tyrosine.
Molecular consequence: missense variant.
Genome position (GRCh38, 1-based): chr3:10,064,784, G>T. VCF-style: chr3-10064784-G-T. GRCh37 (hg19) VCF-style: chr3-10106468-G-T.
Other names: c.2077G>T, p.Asp693Tyr (NM_001319984.2, NM_001374254.1, NM_033084.6); c.1966G>T, p.Asp656Tyr (NM_001374253.1); short protein forms D693Y, D656Y.
Identifiers: ClinVar variation 1445654 (VCV001445654.8), dbSNP rs2125035150, ClinGen allele CA351733169.

ClinVar aggregate classification (germline): Uncertain significance (1 of 4 stars; one submission).

Conditions:
Fanconi anemia (FA). Also called: Fanconi's anemia. Identifiers: Orphanet 84, MedGen C0015625, MeSH D005199, MONDO:0019391.

Submission:

Labcorp Genetics (formerly Invitae), Labcorp
Classification: Uncertain significance for Fanconi anemia. Last evaluated: 2021-01-07. Review status: criteria provided, single submitter. Criteria: Invitae Variant Classification Sherloc (09022015). Collection method: clinical testing. Allele origin: germline.
Comment: In summary, the available evidence is currently insufficient to determine the role of this variant in disease. Therefore, it has been classified as a Variant of Uncertain Significance. Algorithms developed to predict the effect of sequence changes on RNA splicing suggest that this variant may create or strengthen a splice site, but this prediction has not been confirmed by published transcriptional studies. Algorithms developed to predict the effect of missense changes on protein structure and function are either unavailable or do not agree on the potential impact of this missense change (SIFT: "Deleterious"; PolyPhen-2: "Possibly Damaging"; Align-GVGD: "Class C0"). This variant has not been reported in the literature in individuals with FANCD2-related conditions. This variant is not present in population databases (ExAC no frequency). This sequence change replaces aspartic acid with tyrosine at codon 693 of the FANCD2 protein (p.Asp693Tyr). The aspartic acid residue is moderately conserved and there is a large physicochemical difference between aspartic acid and tyrosine.